The following is an entry in ClinVar:

NM_001161352.2(KCNMA1):c.2926A>G (p.Arg976Gly)

Genes: KCNMA1-AS1 (KCNMA1 antisense RNA 1; plus strand), KCNMA1 (potassium calcium-activated channel subfamily M alpha 1; minus strand). Cytogenetic location: 10q22.3.
Variant type: single nucleotide variant.
Coding change: c.2926A>G on transcript NM_001161352.2 (MANE Select); coding-DNA position 2926, A replaced by G.
Protein change: p.Arg976Gly; replaces arginine 976 with glycine.
Molecular consequence: missense variant.
Genome position (GRCh38, 1-based): chr10:76,915,026, T>C on the plus strand (A>G on the coding strand, the complement: KCNMA1 is on the minus strand). VCF-style: chr10-76915026-T-C. GRCh37 (hg19) VCF-style: chr10-78674784-T-C.
Other names: c.2764A>G, p.Arg922Gly (NM_001014797.3, NM_001322835.2, NM_001322837.2); c.2875A>G, p.Arg959Gly (NM_001161353.2); c.2602A>G, p.Arg868Gly (NM_001271518.2); c.2761A>G, p.Arg921Gly (NM_001271519.2, NM_001322829.2, NM_001322836.2); c.2773A>G, p.Arg925Gly (NM_001322830.2); c.2752A>G, p.Arg918Gly (NM_001322832.2, NM_001410940.1, NM_002247.4); c.2299A>G, p.Arg767Gly (NM_001322838.2); short protein forms R918G, R922G, R868G, R959G, R976G, R921G, R767G, R925G.
Identifiers: ClinVar variation 2845434 (VCV002845434.3), dbSNP rs2549040836, ClinGen allele CA377404468.

ClinVar aggregate classification (germline): Uncertain significance (1 of 4 stars; one submission).

Conditions:
Generalized epilepsy-paroxysmal dyskinesia syndrome (PNKD3). Also called: Generalized epilepsy and paroxysmal dyskinesia; Paroxysmal nonkinesigenic dyskinesia, 3, with or without generalized epilepsy. Identifiers: Orphanet 79137, MedGen C5574945, MONDO:0012276, OMIM 609446.

Submission:

Labcorp Genetics (formerly Invitae), Labcorp
Classification: Uncertain significance for Generalized epilepsy-paroxysmal dyskinesia syndrome. Last evaluated: 2023-03-13. Review status: criteria provided, single submitter. Criteria: Invitae Variant Classification Sherloc (09022015). Collection method: clinical testing. Allele origin: germline.
Comment: This sequence change replaces arginine, which is basic and polar, with glycine, which is neutral and non-polar, at codon 918 of the KCNMA1 protein (p.Arg918Gly). In summary, the available evidence is currently insufficient to determine the role of this variant in disease. Therefore, it has been classified as a Variant of Uncertain Significance. An algorithm developed to predict the effect of missense changes on protein structure and function (PolyPhen-2) suggests that this variant is likely to be tolerated. This variant has not been reported in the literature in individuals affected with KCNMA1-related conditions. This variant is not present in population databases (gnomAD no frequency).